The following is an entry in ClinVar:

ClinVar aggregate classification (germline): Uncertain significance. Review status: criteria provided, multiple submitters, no conflicts (2 of 4 stars). 4 submissions from 4 submitters: Uncertain significance (4). Last evaluated 2024-12-17.

Conditions:
Gastrointestinal stromal tumor. Also called: Gastrointestinal stromal tumor, somatic; Gastrointestinal stroma tumor. Identifiers: Orphanet 44890, MedGen C0238198, MeSH D046152, MONDO:0011719, OMIM 606764, HP:0100723.
Pheochromocytoma. Also called: MAX-Related Hereditary Paraganglioma-Pheochromocytoma Syndrome. Identifiers: Orphanet 29072, MedGen C0031511, MONDO:0008233, OMIM 171300, HP:0002666.
Carney-Stratakis syndrome. Also called: PARAGANGLIOMA AND GASTROINTESTINAL STROMAL TUMOR. Identifiers: Orphanet 97286, MedGen C1847319, MONDO:0011740, OMIM 606864.
Pheochromocytoma/paraganglioma syndrome 4. Also called: Paragangliomas 4; PARAGANGLIOMA, FAMILIAL MALIGNANT; PARAGANGLIOMAS, HEREDITARY EXTRAADRENAL; PHEOCHROMOCYTOMA, FAMILIAL EXTRAADRENAL; SDHB-Related Hereditary Paraganglioma-Pheochromocytoma Syndrome; CAROTID BODY TUMORS AND MULTIPLE EXTRAADRENAL PHEOCHROMOCYTOMAS. Identifiers: Orphanet 29072, MedGen C1861848, MONDO:0007273, OMIM 115310.
Mitochondrial complex 2 deficiency, nuclear type 4. Also called: MITOCHONDRIAL COMPLEX II DEFICIENCY, NUCLEAR TYPE 4. Identifiers: MedGen C5543176, MONDO:0030974, OMIM 619224.
Hereditary cancer-predisposing syndrome. Also called: Tumor predisposition; Neoplastic Syndromes, Hereditary; Hereditary Cancer Syndrome; Hereditary neoplastic syndrome. Identifiers: Orphanet 140162, MedGen C0027672, MeSH D009386, MONDO:0015356.
Hereditary pheochromocytoma and paraganglioma. Also called: Hereditary Paraganglioma-Pheochromocytoma Syndromes; Hereditary paragangliomas and pheochromocytomas; Hereditary pheochromocytoma-paraganglioma. Identifiers: Orphanet 29072, MedGen C4274332, MONDO:0017366.

Allele frequency attached by ClinVar (database versions not stated): gnomAD exomes below 0.00001.
gnomAD v4.1: 5 of 1,614,046 alleles (0.00031%); highest among the groups gnomAD compares: Non-Finnish European, 0.00034%; no homozygotes.

Submissions (4):

Labcorp Genetics (formerly Invitae), Labcorp
Classification: Uncertain significance for Gastrointestinal stromal tumor; Pheochromocytoma/paraganglioma syndrome 4; Pheochromocytoma. Last evaluated: 2024-12-17. Review status: criteria provided, single submitter. Criteria: Invitae Variant Classification Sherloc (09022015). Collection method: clinical testing. Allele origin: germline.
Comment: This sequence change replaces leucine, which is neutral and non-polar, with phenylalanine, which is neutral and non-polar, at codon 65 of the SDHB protein (p.Leu65Phe). This variant is not present in population databases (gnomAD no frequency). This missense change has been observed in individual(s) with autosomal dominant SDHB-related conditions (PMID: 34439371, 34906457; internal data). ClinVar contains an entry for this variant (Variation ID: 185456). Invitae Evidence Modeling of protein sequence and biophysical properties (such as structural, functional, and spatial information, amino acid conservation, physicochemical variation, residue mobility, and thermodynamic stability) indicates that this missense variant is not expected to disrupt SDHB protein function with a negative predictive value of 80%. This variant disrupts the p.Leu65 amino acid residue in SDHB. Other variant(s) that disrupt this residue have been determined to be pathogenic (PMID: 15328326, 22835832; internal data). This suggests that this residue is clinically significant, and that variants that disrupt this residue are likely to be disease-causing. In summary, the available evidence is currently insufficient to determine the role of this variant in disease. Therefore, it has been classified as a Variant of Uncertain Significance.

All of Us Research Program, National Institutes of Health
Classification: Uncertain significance for Hereditary pheochromocytoma and paraganglioma. Last evaluated: 2023-02-24. Review status: criteria provided, single submitter. Criteria: ACMG Guidelines, 2015. Collection method: clinical testing. Allele origin: germline. Inheritance: Autosomal dominant inheritance. Observed: 1 variant allele, 1 heterozygote.
Comment: This missense variant replaces leucine with phenylalanine at codon 65 of the SDHB protein. Computational prediction suggests that this variant may have deleterious impact on protein structure and function (internally defined REVEL score threshold >= 0.7, PMID: 27666373). To our knowledge, functional studies have not been reported for this variant. This variant has been reported in an individual affected with hereditary paranganglioma-pheochromocytoma syndrome (PMID: 34439371). This variant has not been identified in the general population by the Genome Aggregation Database (gnomAD). The available evidence is insufficient to determine the role of this variant in disease conclusively. Therefore, this variant is classified as a Variant of Uncertain Significance.

This study involves interpretation of variants in research participants for the purpose of population health screening. Participant phenotype was not available at the time of variant classification. Additional details can be found in publication PMID: 35346344, PMCID: PMC8962531

Fulgent Genetics
Classification: Uncertain significance for Pheochromocytoma/paraganglioma syndrome 4; Pheochromocytoma; Gastrointestinal stromal tumor; Carney-Stratakis syndrome; Mitochondrial complex 2 deficiency, nuclear type 4. Last evaluated: 2021-07-16. Review status: criteria provided, single submitter. Criteria: ACMG Guidelines, 2015. Collection method: clinical testing. Allele origin: unknown.

Ambry Genetics
Classification: Uncertain significance for Hereditary cancer-predisposing syndrome. Last evaluated: 2018-07-24. Review status: criteria provided, single submitter. Criteria: Ambry Variant Classification Scheme 2023. Collection method: clinical testing. Allele origin: germline.
Comment: The p.L65F variant (also known as c.193C>T), located in coding exon 2 of the SDHB gene, results from a C to T substitution at nucleotide position 193. The leucine at codon 65 is replaced by phenylalanine, an amino acid with highly similar properties. Alterations at the same codon (p.L65R, p.L65H, p.L65H) have been reported in patients with pheochromocytomas and/or paragangliomas. This amino acid position is highly conserved in available vertebrate species. In addition, this alteration is predicted to be deleterious by in silico analysis. Since supporting evidence is limited at this time, the clinical significance of p.L65F remains unclear.

Literature cited by the submitters: PubMed 34439371 (cited by Labcorp Genetics (formerly Invitae), Labcorp and All of Us Research Program, National Institutes of Health); PubMed 34906457 (cited by Labcorp Genetics (formerly Invitae), Labcorp); PubMed 15328326 (cited by Labcorp Genetics (formerly Invitae), Labcorp); PubMed 22835832 (cited by Labcorp Genetics (formerly Invitae), Labcorp).

NM_003000.3(SDHB):c.193C>T (p.Leu65Phe)

Gene: SDHB (succinate dehydrogenase complex iron sulfur subunit B; minus strand). Cytogenetic location: 1p36.13.
Variant type: single nucleotide variant.
Coding change: c.193C>T on transcript NM_003000.3 (MANE Select); coding-DNA position 193, C replaced by T.
Protein change: p.Leu65Phe; replaces leucine 65 with phenylalanine.
Molecular consequence: missense variant.
Genome position (GRCh38, 1-based): chr1:17,044,768, G>A on the plus strand (C>T on the coding strand, the complement: SDHB is on the minus strand). VCF-style: chr1-17044768-G-A. GRCh37 (hg19) VCF-style: chr1-17371263-G-A.
Other names: short protein forms L65F.
Identifiers: ClinVar variation 185456 (VCV000185456.12), dbSNP rs786202185, ClinGen allele CA015581.